The following is an entry in ClinVar:

ClinVar aggregate classification (germline): Pathogenic (1 of 4 stars; one submission).

Conditions:
Hereditary breast ovarian cancer syndrome. Also called: BRCA1- and BRCA2-Associated Hereditary Breast and Ovarian Cancer; Breast and ovarian cancer; Hereditary breast and ovarian cancer; Hereditary breast and ovarian cancer syndrome (HBOC); Hereditary breast and ovarian cancer syndrome; Hereditary breast and/or ovarian cancer syndrome. Identifiers: Orphanet 145, MedGen C0677776, MeSH D061325, MONDO:0003582. Disease mechanism: loss of function.

Submission:

Labcorp Genetics (formerly Invitae), Labcorp
Classification: Pathogenic for Hereditary breast ovarian cancer syndrome. Last evaluated: 2026-01-27. Review status: criteria provided, single submitter. Criteria: Invitae Variant Classification Sherloc (09022015). Collection method: clinical testing. Allele origin: germline.
Comment: This sequence change creates a premature translational stop signal (p.Glu218Lysfs*12) in the BRCA2 gene. It is expected to result in an absent or disrupted protein product. Loss-of-function variants in BRCA2 are known to be pathogenic (PMID: 20104584). This variant is not present in population databases (gnomAD no frequency). This variant has not been reported in the literature in individuals affected with BRCA2-related conditions. For these reasons, this variant has been classified as Pathogenic.

Literature cited by the submitters: PubMed 20104584.

NM_000059.4(BRCA2):c.652del (p.Glu218fs)

Gene: BRCA2 (BRCA2 DNA repair associated; plus strand). Cytogenetic location: 13q13.1.
Variant type: Deletion.
Coding change: c.652del on transcript NM_000059.4 (MANE Select); coding-DNA position 652, one base deleted (G; older notation c.652delG).
Protein change: p.Glu218fs; shifts the reading frame from glutamic acid 218.
Molecular consequence: frameshift variant. On other transcripts: non-coding transcript variant (1).
Genome position (GRCh38, 1-based): chr13:32,329,463, G deleted. VCF-style (leftmost placement, unchanged base first): chr13-32329462-TG-T. GRCh37 (hg19) VCF-style: chr13-32903599-TG-T.
Other names: c.652del, p.Glu218fs (NM_001406719.1, NM_001406720.1, NM_001406721.1 and 1 more transcripts); c.283del, p.Glu95fs (NM_001406722.1); short protein forms E218fs, E95fs.
Identifiers: ClinVar variation 4736294 (VCV004736294.1).